The following is an entry in ClinVar:

ClinVar aggregate classification (germline): Uncertain significance (1 of 4 stars; one submission).

gnomAD v4.1: 1 of 1,613,908 alleles (0.000062%); highest among the groups gnomAD compares: Non-Finnish European, 0.000085%; no homozygotes.

Submission:

Labcorp Genetics (formerly Invitae), Labcorp
Classification: Uncertain significance. Last evaluated: 2025-07-18. Review status: criteria provided, single submitter. Criteria: Invitae Variant Classification Sherloc (09022015). Collection method: clinical testing. Allele origin: germline.
Comment: This sequence change replaces asparagine, which is neutral and polar, with serine, which is neutral and polar, at codon 2138 of the MYO15A protein (p.Asn2138Ser). This variant is not present in population databases (gnomAD no frequency). This variant has not been reported in the literature in individuals affected with MYO15A-related conditions. Invitae Evidence Modeling of protein sequence and biophysical properties (such as structural, functional, and spatial information, amino acid conservation, physicochemical variation, residue mobility, and thermodynamic stability) indicates that this missense variant is expected to disrupt MYO15A protein function with a positive predictive value of 95%. In summary, the available evidence is currently insufficient to determine the role of this variant in disease. Therefore, it has been classified as a Variant of Uncertain Significance.

NM_016239.4(MYO15A):c.6413A>G (p.Asn2138Ser)

Gene: MYO15A (myosin XVA; plus strand). Cytogenetic location: 17p11.2.
Variant type: single nucleotide variant.
Coding change: c.6413A>G on transcript NM_016239.4 (MANE Select); coding-DNA position 6413, A replaced by G.
Protein change: p.Asn2138Ser; replaces asparagine 2138 with serine.
Molecular consequence: missense variant.
Genome position (GRCh38, 1-based): chr17:18,146,011, A>G. VCF-style: chr17-18146011-A-G. GRCh37 (hg19) VCF-style: chr17-18049325-A-G.
Other names: short protein forms N2138S.
Identifiers: ClinVar variation 4800693 (VCV004800693.1).